The following is an entry in ClinVar:

ClinVar aggregate classification (germline): Uncertain significance (1 of 4 stars; one submission).

Conditions:
Hereditary cancer-predisposing syndrome. Also called: Hereditary neoplastic syndrome; Neoplastic Syndromes, Hereditary; Tumor predisposition; Hereditary Cancer Syndrome. Identifiers: Orphanet 140162, MedGen C0027672, MeSH D009386, MONDO:0015356.

Submission:

Ambry Genetics
Classification: Uncertain significance for Hereditary cancer-predisposing syndrome. Last evaluated: 2025-08-10. Review status: criteria provided, single submitter. Criteria: Ambry Variant Classification Scheme 2023. Collection method: clinical testing. Allele origin: germline.
Comment: The p.Q805H variant (also known as c.2415G>C), located in coding exon 14 of the PMS2 gene, results from a G to C substitution at nucleotide position 2415. The glutamine at codon 805 is replaced by histidine, an amino acid with highly similar properties. This amino acid position is conserved. In addition, the in silico prediction for this alteration is inconclusive. Based on the available evidence, the clinical significance of this variant remains unclear.

NM_000535.7(PMS2):c.2415G>C (p.Gln805His)

Gene: PMS2 (PMS1 homolog 2, mismatch repair system component; minus strand). Cytogenetic location: 7p22.1.
Variant type: single nucleotide variant.
Coding change: c.2415G>C on transcript NM_000535.7 (MANE Select); coding-DNA position 2415, G replaced by C.
Protein change: p.Gln805His; replaces glutamine 805 with histidine.
Molecular consequence: missense variant. On other transcripts: non-coding transcript variant (1).
Genome position (GRCh38, 1-based): chr7:5,977,618, C>G on the plus strand (G>C on the coding strand, the complement: PMS2 is on the minus strand). VCF-style: chr7-5977618-C-G. GRCh37 (hg19) VCF-style: chr7-6017249-C-G.
Other names: c.2247G>C, p.Gln749His (NM_001406872.1, NM_001406874.1); c.2217G>C, p.Gln739His (NM_001406873.1); c.2139G>C, p.Gln713His (NM_001406875.1); c.2130G>C, p.Gln710His (NM_001406876.1); c.2106G>C, p.Gln702His (NM_001406877.1, NM_001322015.2, NM_001406878.1 and 4 more transcripts); c.2043G>C, p.Gln681His (NM_001406887.1, NM_001406888.1, NM_001322009.2); c.2010G>C, p.Gln670His (NM_001406889.1, NM_001406890.1, NM_001406891.1 and 11 more transcripts); c.1854G>C, p.Gln618His (NM_001406906.1, NM_001406907.1, NM_001322010.2); and 20 more; short protein forms Q494H, Q548H, Q614H, Q683H, Q693H, Q699H, Q710H, Q739H.
Identifiers: ClinVar variation 4140485 (VCV004140485.1).